The following is an entry in ClinVar:

NM_000059.4(BRCA2):c.3323del (p.Lys1108fs)

Gene: BRCA2 (BRCA2 DNA repair associated; plus strand). Cytogenetic location: 13q13.1.
Variant type: Deletion.
Coding change: c.3323del on transcript NM_000059.4 (MANE Select); coding-DNA position 3323, one base deleted (A; older notation c.3323delA).
Protein change: p.Lys1108fs; shifts the reading frame from lysine 1108.
Molecular consequence: frameshift variant.
Genome position (GRCh38, 1-based): chr13:32,337,678, A deleted; the last of 4 consecutive A bases (chr13:32,337,675-32,337,678); deleting any one gives the same sequence. VCF-style (leftmost placement, unchanged base first): chr13-32337674-CA-C. GRCh37 (hg19) VCF-style: chr13-32911811-CA-C.
Other names: c.3323delA (NM_000059.3).
Identifiers: ClinVar variation 225716 (VCV000225716.15), dbSNP rs869320782, ClinGen allele CA10576064.

ClinVar aggregate classification (germline): Pathogenic. Review status: reviewed by expert panel (3 of 4 stars). 7 submissions from 7 submitters: Pathogenic (1). 6 of the submissions do not count toward it. Last evaluated 2017-12-15.

Conditions:
Hereditary cancer-predisposing syndrome. Also called: Tumor predisposition; Neoplastic Syndromes, Hereditary; Hereditary neoplastic syndrome; Hereditary Cancer Syndrome. Identifiers: Orphanet 140162, MedGen C0027672, MeSH D009386, MONDO:0015356.
Breast-ovarian cancer, familial, susceptibility to, 2 (BROVCA2). Also called: BRCA2 Hereditary Breast and Ovarian Cancer. Identifiers: Orphanet 145, MedGen C2675520, MONDO:0012933, OMIM 612555. Disease mechanism: loss of function.
Hereditary breast ovarian cancer syndrome. Also called: Hereditary breast and/or ovarian cancer syndrome; Hereditary breast and ovarian cancer syndrome (HBOC); Breast and ovarian cancer; Hereditary breast and ovarian cancer; BRCA1- and BRCA2-Associated Hereditary Breast and Ovarian Cancer; Hereditary breast and ovarian cancer syndrome. Identifiers: Orphanet 145, MedGen C0677776, MeSH D061325, MONDO:0003582. Disease mechanism: loss of function.

Submissions (7):

Evidence-based Network for the Interpretation of Germline Mutant Alleles (ENIGMA)
Classification: Pathogenic for Breast-ovarian cancer, familial, susceptibility to, 2. Last evaluated: 2017-12-15. Review status: reviewed by expert panel. Criteria: ENIGMA BRCA1/2 Classification Criteria (2017-06-29). Collection method: curation. Allele origin: germline. Study: ENIGMA.
Comment: Variant allele predicted to encode a truncated non-functional protein.

Ambry Genetics
Classification: Pathogenic for Hereditary cancer-predisposing syndrome. Last evaluated: 2025-01-23. Review status: criteria provided, single submitter. Criteria: Ambry Variant Classification Scheme 2023. Collection method: clinical testing. Allele origin: germline. Not counted in ClinVar's aggregate classification.
Comment: The c.3323delA pathogenic mutation, located in coding exon 10 of the BRCA2 gene, results from a deletion of one nucleotide at nucleotide position 3323, causing a translational frameshift with a predicted alternate stop codon (p.K1108Rfs*11). This variant is considered to be rare based on population cohorts in the Genome Aggregation Database (gnomAD). This alteration is expected to result in loss of function by premature protein truncation or nonsense-mediated mRNA decay. As such, this alteration is interpreted as a disease-causing mutation.

Quest Diagnostics Nichols Institute San Juan Capistrano
Classification: Pathogenic. Last evaluated: 2025-01-21. Review status: criteria provided, single submitter. Criteria: Quest Diagnostics criteria. Collection method: clinical testing. Allele origin: unknown. Not counted in ClinVar's aggregate classification.
Comment: The BRCA2 c.3323del (p.Lys1108Argfs*11) variant alters the translational reading frame of the BRCA2 mRNA and causes the premature termination of BRCA2 protein synthesis. This variant has not been reported in individuals with BRCA2-related conditions in the published literature. This variant has not been reported in large, multi-ethnic general populations (Genome Aggregation Database). Based on the available information, this variant is classified as pathogenic.

Labcorp Genetics (formerly Invitae), Labcorp
Classification: Pathogenic for Hereditary breast ovarian cancer syndrome. Last evaluated: 2024-08-21. Review status: criteria provided, single submitter. Criteria: Invitae Variant Classification Sherloc (09022015). Collection method: clinical testing. Allele origin: germline. Not counted in ClinVar's aggregate classification.
Comment: This sequence change creates a premature translational stop signal (p.Lys1108Argfs*11) in the BRCA2 gene. It is expected to result in an absent or disrupted protein product. Loss-of-function variants in BRCA2 are known to be pathogenic (PMID: 20104584). This variant is not present in population databases (gnomAD no frequency). This variant has not been reported in the literature in individuals affected with BRCA2-related conditions. ClinVar contains an entry for this variant (Variation ID: 225716). For these reasons, this variant has been classified as Pathogenic.

Color Diagnostics, LLC DBA Color Health
Classification: Pathogenic for Hereditary cancer-predisposing syndrome. Last evaluated: 2020-05-14. Review status: criteria provided, single submitter. Criteria: ACMG Guidelines, 2015. Collection method: clinical testing. Allele origin: germline. Not counted in ClinVar's aggregate classification.
Comment: This variant deletes 1 nucleotide in exon 11 of the BRCA2 gene, creating a frameshift and premature translation stop signal. This variant is expected to result in an absent or non-functional protein product. To our knowledge, this variant has not been reported in individuals affected with hereditary cancer in the literature. This variant has not been identified in the general population by the Genome Aggregation Database (gnomAD). Loss of BRCA2 function is a known mechanism of disease. Based on the available evidence, this variant is classified as Pathogenic.

Molecular Genetics Laboratory, University of Michigan
Classification: Pathogenic for Breast-ovarian cancer, familial, susceptibility to, 2. Last evaluated: 2014-11-03. Review status: criteria provided, single submitter. Criteria: ACMG Guidelines, 2015. Collection method: clinical testing. Allele origin: germline. Affected: yes. Not counted in ClinVar's aggregate classification.

Research Molecular Genetics Laboratory, Women's College Hospital, University of Toronto
Classification: Pathogenic for Hereditary breast ovarian cancer syndrome. Last evaluated: 2014-01-31. Review status: no assertion criteria provided. Collection method: research. Allele origin: germline. Affected: yes. Study: The Canadian Open Genetics Repository (COGR). Not counted in ClinVar's aggregate classification.

Literature cited by the submitters: PubMed 20104584 (cited by Labcorp Genetics (formerly Invitae), Labcorp).